The following is an entry in ClinVar:

ClinVar aggregate classification (germline): Pathogenic (1 of 4 stars; one submission).

Submission:

Labcorp Genetics (formerly Invitae), Labcorp
Classification: Pathogenic. Last evaluated: 2025-11-23. Review status: criteria provided, single submitter. Criteria: Invitae Variant Classification Sherloc (09022015). Collection method: clinical testing. Allele origin: germline.
Comment: This sequence change creates a premature translational stop signal (p.Trp583*) in the ASXL1 gene. While this is not anticipated to result in nonsense mediated decay, it is expected to disrupt the last 959 amino acid(s) of the ASXL1 protein. The frequency data for this variant in the population databases is considered unreliable, as metrics indicate poor data quality at this position in the gnomAD database. This variant has not been reported in the literature in individuals affected with ASXL1-related conditions. This variant disrupts a region of the ASXL1 protein in which other variant(s) (p.Glu1400*) have been determined to be pathogenic (PMID: 31969346). This suggests that this is a clinically significant region of the protein, and that variants that disrupt it are likely to be disease-causing. For these reasons, this variant has been classified as Pathogenic.

Literature cited by the submitters: PubMed 31969346.

NM_015338.6(ASXL1):c.1748G>A (p.Trp583Ter)

Gene: ASXL1 (ASXL transcriptional regulator 1; plus strand). Cytogenetic location: 20q11.21.
Variant type: single nucleotide variant.
Coding change: c.1748G>A on transcript NM_015338.6 (MANE Select); coding-DNA position 1748, G replaced by A.
Protein change: p.Trp583Ter; replaces tryptophan 583 with a stop codon.
Molecular consequence: nonsense.
Genome position (GRCh38, 1-based): chr20:32,434,460, G>A. VCF-style: chr20-32434460-G-A. GRCh37 (hg19) VCF-style: chr20-31022263-G-A.
Other names: c.1565G>A, p.Trp522Ter (NM_001363734.1); short protein forms W522*, W583*.
Identifiers: ClinVar variation 4772120 (VCV004772120.1).
Genomic context (GRCh38, chr20:32,434,460, plus strand): 5'-GTTAAAACTATTTTCTAATTCTTTTTTTGCAGATTCAACTTTCACGTATCAAACCACCCT[G>A]GGTGGTTAAAGGTCAGCCCACTTACCAGATATGCCCCCGGATCATCCCCACCACGGAGTC-3'